The following is an entry in ClinVar:

NM_021614.4(KCNN2):c.314C>T (p.Ser105Leu)

Gene: KCNN2 (potassium calcium-activated channel subfamily N member 2; plus strand). Cytogenetic location: 5q22.3.
Variant type: single nucleotide variant.
Coding change: c.314C>T on transcript NM_021614.4 (MANE Select); coding-DNA position 314, C replaced by T.
Protein change: p.Ser105Leu; replaces serine 105 with leucine.
Molecular consequence: missense variant. On other transcripts: non-coding transcript variant (1).
Genome position (GRCh38, 1-based): chr5:114,362,453, C>T. VCF-style: chr5-114362453-C-T. GRCh37 (hg19) VCF-style: chr5-113698150-C-T.
Other names: c.512C>T, p.Ser171Leu (NM_001372233.1); short protein forms S105L, S171L.
Identifiers: ClinVar variation 3026052 (VCV003026052.22), dbSNP rs1031967468, ClinGen allele CA125659877.
Genomic context (GRCh38, chr5:114,362,453, plus strand): 5'-ACCTGTCCCTGCTGCTCCGCACCTCCTCGCCCGGCGGCGCCTTCCGGACCCGCACCTCCT[C>T]GCCGCTGTCGGGCTCGTCCTGCTGCTGCTGCTGCTGCTCGTCGCGCCGGGGCAGCCAGCT-3'
Protein context (NP_067627.3, residues 95-115): PGGAFRTRTS[Ser105Leu]PLSGSSCCCC

ClinVar aggregate classification (germline): Uncertain significance (1 of 4 stars; one submission).

Allele frequency attached by ClinVar (database versions not stated): TOPMed 0.00001; gnomAD 0.00002; gnomAD exomes 0.00003.
gnomAD v4.1: 9 of 400,512 alleles (0.0022%); highest among the groups gnomAD compares: Non-Finnish European, 0.004%; no homozygotes.

Submission:

CeGaT Center for Human Genetics Tuebingen
Classification: Uncertain significance. Last evaluated: 2025-09-01. Review status: criteria provided, single submitter. Criteria: CeGaT Center For Human Genetics Tuebingen Variant Classification Criteria Version 2. Collection method: clinical testing. Allele origin: germline. Affected: yes. Observed: 2 variant alleles.
Comment: KCNN2: PM2:Supporting